The following is an entry in ClinVar:

ClinVar aggregate classification (germline): Uncertain significance (1 of 4 stars; one submission).

Conditions:
Tuberous sclerosis 2 (TSC2). Identifiers: Orphanet 805, MedGen C1860707, MONDO:0013199, OMIM 613254.

Submission:

Labcorp Genetics (formerly Invitae), Labcorp
Classification: Uncertain significance for Tuberous sclerosis 2. Last evaluated: 2021-04-02. Review status: criteria provided, single submitter. Criteria: Invitae Variant Classification Sherloc (09022015). Collection method: clinical testing. Allele origin: germline.
Comment: In summary, the available evidence is currently insufficient to determine the role of this variant in disease. Therefore, it has been classified as a Variant of Uncertain Significance. Advanced modeling of protein sequence and biophysical properties (such as structural, functional, and spatial information, amino acid conservation, physicochemical variation, residue mobility, and thermodynamic stability) performed at Invitae indicates that this missense variant is not expected to disrupt TSC2 protein function. This sequence change replaces isoleucine with threonine at codon 1797 of the TSC2 protein (p.Ile1797Thr). The isoleucine residue is moderately conserved and there is a moderate physicochemical difference between isoleucine and threonine. This variant is not present in population databases (ExAC no frequency). This variant has not been reported in the literature in individuals with TSC2-related conditions.

NM_000548.5(TSC2):c.5390T>C (p.Ile1797Thr)

Gene: TSC2 (TSC complex subunit 2; plus strand). Cytogenetic location: 16p13.3.
Variant type: single nucleotide variant.
Coding change: c.5390T>C on transcript NM_000548.5 (MANE Select); coding-DNA position 5390, T replaced by C.
Protein change: p.Ile1797Thr; replaces isoleucine 1797 with threonine.
Molecular consequence: missense variant.
Genome position (GRCh38, 1-based): chr16:2,088,576, T>C. VCF-style: chr16-2088576-T-C. GRCh37 (hg19) VCF-style: chr16-2138577-T-C.
Other names: c.5189T>C, p.Ile1730Thr (NM_001077183.3); c.5321T>C, p.Ile1774Thr (NM_001114382.3); c.5081T>C, p.Ile1694Thr (NM_001318827.2); c.5045T>C, p.Ile1682Thr (NM_001318829.2); c.4658T>C, p.Ile1553Thr (NM_001318831.2); c.5222T>C, p.Ile1741Thr (NM_001318832.2); c.5192T>C, p.Ile1731Thr (NM_001363528.2); c.5258T>C, p.Ile1753Thr (NM_001370404.1); and 2 more; short protein forms I1682T, I1731T, I1741T, I1797T, I1553T, I1694T, I1754T, I1753T.
Identifiers: ClinVar variation 1522223 (VCV001522223.8), dbSNP rs2151642406, ClinGen allele CA394316073.